The following is an entry in ClinVar:

NM_000268.4(NF2):c.1574+1G>A

Gene: NF2 (NF2, moesin-ezrin-radixin like (MERLIN) tumor suppressor; plus strand). Cytogenetic location: 22q12.2.
Variant type: single nucleotide variant.
Coding change: c.1574+1G>A on transcript NM_000268.4 (MANE Select); the canonical splice donor site of the intron after coding-DNA position 1574, G replaced by A.
Molecular consequence: splice donor variant. On other transcripts: intron variant (1).
Genome position (GRCh38, 1-based): chr22:29,678,324, G>A. VCF-style: chr22-29678324-G-A. GRCh37 (hg19) VCF-style: chr22-30074313-G-A.
Other names: c.1574+1G>A (NM_016418.5, NM_181832.3, NM_001407060.1 and 2 more transcripts); c.1460+1G>A (NM_001407056.1, NM_001407053.1); c.1343+1G>A (NM_001407067.1); c.1040+1G>A (NM_001407065.1); c.1439+1G>A (NM_001407059.1, NM_001407057.1); c.448-16428G>A (NM_181833.3); c.1451+1G>A (NM_001407058.1, NM_181829.3, NM_001407054.1); c.1316+1G>A (NM_001407062.1); and 2 more.
Identifiers: ClinVar variation 2737032 (VCV002737032.3), dbSNP rs2518714042, ClinGen allele CA411149824.

ClinVar aggregate classification (germline): Pathogenic (1 of 4 stars; one submission).

Conditions:
Neurofibromatosis, type 2 (SWNV). Also called: SCHWANNOMATOSIS, VESTIBULAR; BILATERAL ACOUSTIC NEUROFIBROMATOSIS; NF2-Related Schwannomatosis. Identifiers: Orphanet 637, MedGen C0027832, MONDO:0007039, OMIM 101000. Disease mechanism: loss of function.

Submission:

Labcorp Genetics (formerly Invitae), Labcorp
Classification: Pathogenic for Neurofibromatosis, type 2. Last evaluated: 2023-03-09. Review status: criteria provided, single submitter. Criteria: Invitae Variant Classification Sherloc (09022015). Collection method: clinical testing. Allele origin: germline.
Comment: This sequence change affects a donor splice site in intron 14 of the NF2 gene. It is expected to disrupt RNA splicing. Variants that disrupt the donor or acceptor splice site typically lead to a loss of protein function (PMID: 16199547), and loss-of-function variants in NF2 are known to be pathogenic (PMID: 9643284, 16983642). This variant is not present in population databases (gnomAD no frequency). Disruption of this splice site has been observed in individuals with neurofibromatosis type 2 (PMID: 9605590, 21563229). Algorithms developed to predict the effect of sequence changes on RNA splicing suggest that this variant may disrupt the consensus splice site. For these reasons, this variant has been classified as Pathogenic.

Literature cited by the submitters: PubMed 16199547; PubMed 9643284; PubMed 16983642; PubMed 9605590; PubMed 21563229.